The following is an entry in ClinVar:

ClinVar aggregate classification (germline): Pathogenic/Likely pathogenic. Review status: criteria provided, multiple submitters, no conflicts (2 of 4 stars). 12 submissions from 12 submitters: Pathogenic (10); Likely pathogenic (1). 1 of the submissions does not count toward it. Last evaluated 2026-07-01.

Conditions:
SDHB-related disorder. Also called: SDHB-related condition; SDHB-related disorders. Identifiers: MedGen CN239418.
Carney-Stratakis syndrome. Also called: PARAGANGLIOMA AND GASTROINTESTINAL STROMAL TUMOR. Identifiers: Orphanet 97286, MedGen C1847319, MONDO:0011740, OMIM 606864.
Pheochromocytoma/paraganglioma syndrome 4. Also called: CAROTID BODY TUMORS AND MULTIPLE EXTRAADRENAL PHEOCHROMOCYTOMAS; PARAGANGLIOMA, FAMILIAL MALIGNANT; PARAGANGLIOMAS, HEREDITARY EXTRAADRENAL; PHEOCHROMOCYTOMA, FAMILIAL EXTRAADRENAL; SDHB-Related Hereditary Paraganglioma-Pheochromocytoma Syndrome (Paragangliomas 4); SDHB-Related Hereditary Paraganglioma-Pheochromocytoma Syndrome. Identifiers: Orphanet 29072, MedGen C1861848, MONDO:0007273, OMIM 115310.
Gastrointestinal stromal tumor. Also called: Gastrointestinal stromal tumor, somatic; Gastrointestinal stroma tumor. Identifiers: Orphanet 44890, MedGen C0238198, MeSH D046152, MONDO:0011719, OMIM 606764, HP:0100723.
Mitochondrial complex 2 deficiency, nuclear type 4. Also called: MITOCHONDRIAL COMPLEX II DEFICIENCY, NUCLEAR TYPE 4. Identifiers: MedGen C5543176, MONDO:0030974, OMIM 619224.
Hereditary cancer-predisposing syndrome. Also called: Hereditary neoplastic syndrome; Tumor predisposition; Neoplastic Syndromes, Hereditary; Hereditary Cancer Syndrome. Identifiers: Orphanet 140162, MedGen C0027672, MeSH D009386, MONDO:0015356.
Pheochromocytoma. Also called: MAX-Related Hereditary Paraganglioma-Pheochromocytoma Syndrome. Identifiers: Orphanet 29072, MedGen C0031511, MONDO:0008233, OMIM 171300, HP:0002666.
Hereditary pheochromocytoma and paraganglioma. Also called: Hereditary pheochromocytoma-paraganglioma; Hereditary paragangliomas and pheochromocytomas; Hereditary Paraganglioma-Pheochromocytoma Syndromes. Identifiers: Orphanet 29072, MedGen C4274332, MONDO:0017366.

Submissions (12):

CeGaT Center for Human Genetics Tuebingen
Classification: Pathogenic. Last evaluated: 2026-07-01. Review status: criteria provided, single submitter. Criteria: CeGaT Center For Human Genetics Tuebingen Variant Classification Criteria Version 2. Collection method: clinical testing. Allele origin: germline. Affected: yes. Observed: 1 variant allele.
Comment: SDHB: PS4, PVS1:Strong, PM2, PP4

Labcorp Genetics (formerly Invitae), Labcorp
Classification: Pathogenic for Gastrointestinal stromal tumor; Pheochromocytoma/paraganglioma syndrome 4; Pheochromocytoma. Last evaluated: 2025-12-19. Review status: criteria provided, single submitter. Criteria: Invitae Variant Classification Sherloc (09022015). Collection method: clinical testing. Allele origin: germline.
Comment: This sequence change affects an acceptor splice site in intron 5 of the SDHB gene. It is expected to disrupt RNA splicing. Variants that disrupt the donor or acceptor splice site typically lead to a loss of protein function (PMID: 16199547), and loss-of-function variants in SDHB are known to be pathogenic (PMID: 19454582, 19802898). This variant is not present in population databases (gnomAD no frequency). Disruption of this splice site has been observed in individuals with leukodystrophic encephalopathy and paragangliomas and pheochromocytomas (PMID: 17200167, 23083876, 25298897, 26642834). This variant is also known as IVS5–2A>G. ClinVar contains an entry for this variant (Variation ID: 183925). Algorithms developed to predict the effect of sequence changes on RNA splicing suggest that this variant may disrupt the consensus splice site. For these reasons, this variant has been classified as Pathogenic.

PreventionGenetics, part of Exact Sciences
Classification: Pathogenic for SDHB-related condition. Last evaluated: 2025-12-11. Review status: criteria provided, single submitter. Criteria: ACMG Guidelines, 2015. Collection method: clinical testing. Allele origin: germline.
Comment: The SDHB c.541-2A>G variant is predicted to disrupt the AG splice acceptor site and interfere with normal splicing. This variant was reported in multiple individuals with a personal and/or family history of pheochromocytoma/paraganglioma (Timmers et al. 2007. PubMed ID: 17200167; Ricketts et al. 2012. PubMed ID: 23083876; Huang et al. 2018. PubMed ID: 30352407; Supp. Table 1, Neumann et al. 2009. PubMed ID: 19351833; Jochmanova et al. 2017. PubMed ID: 28374168). This variant has not been reported in a large population database (gnomAD), indicating this variant is rare. This variant is interpreted as likely pathogenic/pathogenic in ClinVar (Variation ID: 183925). Variants that disrupt the consensus splice acceptor site in SDHB are expected to be pathogenic. This variant is interpreted as pathogenic.

Myriad Genetics, Inc.
Classification: Pathogenic for Pheochromocytoma/paraganglioma syndrome 4. Last evaluated: 2024-02-08. Review status: criteria provided, single submitter. Criteria: Myriad Autosomal Dominant, Autosomal Recessive and X-Linked Classification Criteria (2023). Collection method: clinical testing. Allele origin: unknown.
Comment: This variant is considered pathogenic. This variant occurs within a consensus splice junction and is predicted to result in abnormal mRNA splicing of either an out-of-frame exon or an in-frame exon necessary for protein stability and/or normal function. This variant has been reported in multiple individuals with clinical features of gene-specific disease [PMID: 31705439, 25298897, 17538171, 29504908, 23083876].

Fulgent Genetics
Classification: Pathogenic for Pheochromocytoma/paraganglioma syndrome 4; Gastrointestinal stromal tumor; Carney-Stratakis syndrome; Mitochondrial complex 2 deficiency, nuclear type 4. Last evaluated: 2024-01-24. Review status: criteria provided, single submitter. Criteria: ACMG Guidelines, 2015. Collection method: clinical testing. Allele origin: germline.

Department of Pathology and Laboratory Medicine, Sinai Health System
Classification: Pathogenic for hereditary pheochromocytoma-paraganglioma. Last evaluated: 2023-02-15. Review status: criteria provided, single submitter. Criteria: ACMG Guidelines, 2015. Collection method: clinical testing. Allele origin: germline. Affected: yes.

GeneDx
Classification: Pathogenic. Last evaluated: 2022-12-21. Review status: criteria provided, single submitter. Criteria: GeneDx Variant Classification Process June 2021. Collection method: clinical testing. Allele origin: germline. Affected: yes.
Comment: Canonical splice site variant predicted to result in an in-frame deletion of a critical region, including the 4FE-4S ferredoxin-type domain and Iron-sulfur 2 (4Fe-4S), Iron-sulfur 3 (3Fe-4S), and ubiquinone binding sites (UniProt); Not observed at significant frequency in large population cohorts (gnomAD); This variant is associated with the following publications: (PMID: 23083876, 25525159, 25298897, 28748451, 25873086, 17200167, 28374168, 27159321, 28973655, 30352407, 19351833, 26642834, 29504908, 25371406, 31705439, 31579262, 32124427, 31492822, 27535533, 34703596)

Ambry Genetics
Classification: Pathogenic for Hereditary cancer-predisposing syndrome. Last evaluated: 2022-11-07. Review status: criteria provided, single submitter. Criteria: Ambry Variant Classification Scheme 2023. Collection method: clinical testing. Allele origin: germline.
Comment: The c.541-2A>G intronic pathogenic mutation results from an A to G substitution two nucleotides upstream from coding exon 6 in the SDHB gene. This mutation was detected in several individuals with personal and/or family history of pheochromocytoma, paraganglioma, and renal cell carcinoma (Ambry internal data; Timmers HJ et al. J Clin Endocrinol Metab. 2007;92(3):779-86. Ricketts CJ et al. J Urol. 2012 Dec;188(6):2063-71. Choat H, et al. Case Rep Endocrinol 2014 ; 2014:502734; Casey RT et al. J. Clin. Endocrinol. Metab., 2017 11;102:4013-4022; Huang Y et al. Endocr Connect, 2018 Dec;7:1217-1225). In silico splice site analysis predicts that this alteration will weaken the native splice acceptor site. RNA studies have demonstrated that this alteration results in abnormal splicing in the set of samples tested (Ambry internal data). As such, this alteration is classified as a disease-causing mutation.

Baylor Genetics
Classification: Pathogenic for Gastrointestinal stromal tumor. Last evaluated: 2022-04-25. Review status: criteria provided, single submitter. Criteria: ACMG Guidelines, 2015. Collection method: clinical testing. Allele origin: unknown.

Women's Health and Genetics/Laboratory Corporation of America, LabCorp
Classification: Pathogenic for Hereditary pheochromocytoma and paraganglioma. Last evaluated: 2021-12-07. Review status: criteria provided, single submitter. Criteria: LabCorp Variant Classification Summary - May 2015. Collection method: clinical testing. Allele origin: germline.
Comment: Variant summary: SDHB c.541-2A>G is located in a canonical splice-site and is predicted to affect mRNA splicing resulting in a significantly altered protein due to either exon skipping, shortening, or inclusion of intronic material. Several computational tools predict a significant impact on normal splicing: four predict the variant abolishes a 3 prime acceptor site. However, these predictions have yet to be confirmed by functional studies. The variant was absent in 249478 control chromosomes. c.541-2A>G has been reported in the literature in individuals affected with Hereditary Paraganglioma-Pheochromocytoma Syndrome with reduced penetrance (e.g. Timmers_2007, Neumann_2009, Jochmanova_2017). Four clinical diagnostic laboratories have submitted clinical-significance assessments for this variant to ClinVar after 2014 without evidence for independent evaluation. All laboratories classified the variant as pathogenic/likely pathogenic. Based on the evidence outlined above, the variant was classified as pathogenic.

Illumina Laboratory Services, Illumina
Classification: Likely pathogenic for SDHB-Related Disorders. Last evaluated: 2016-06-14. Review status: criteria provided, single submitter. Criteria: ICSL Variant Classification 20161018. Collection method: clinical testing. Allele origin: germline.
Comment: The c.541-2A>G variant occurs in a canonical splice site (acceptor) and is therefore predicted to disrupt or distort the normal gene product. The variant has been reported in three studies in which it is found in a total of four hereditary paraganglioma-pheochromocytoma syndrome patients, all in a heterozygous state (Timmers et al. 2007; Ricketts et al. 2012; Choat et al. 2014). The variant was absent from an unaffected brother of one of the patients (Choat et al. 2014). Control data are unavailable for this variant which is not found in the 1000 Genomes Project, the Exome Sequencing Project, or the Exome Aggregation Consortium. Based on the evidence and the potential impact of splice acceptor variants, the c.541-2A>G variant is classified as likely pathogenic for SDHB-related disorders.

Section on Medical Neuroendocrinolgy, National Institutes of Health
Classification: Pathogenic for Hereditary pheochromocytoma and paraganglioma. Review status: no assertion criteria provided. Collection method: research. Allele origin: germline. Affected: yes. Not counted in ClinVar's aggregate classification.

Literature cited by the submitters: PubMed 16199547 (cited by Labcorp Genetics (formerly Invitae), Labcorp); PubMed 19454582 (cited by Labcorp Genetics (formerly Invitae), Labcorp); PubMed 19802898 (cited by Labcorp Genetics (formerly Invitae), Labcorp); PubMed 17200167 (cited by 4 submitters); PubMed 23083876 (cited by 4 submitters); PubMed 25298897 (cited by 5 submitters); PubMed 26642834 (cited by 3 submitters); PubMed 31705439 (cited by Myriad Genetics, Inc.); PubMed 17538171 (cited by Myriad Genetics, Inc.); PubMed 29504908 (cited by Myriad Genetics, Inc.); PubMed 28973655 (cited by Ambry Genetics); PubMed 30352407 (cited by Ambry Genetics); PubMed 19351833 (cited by Women's Health and Genetics/Laboratory Corporation of America, LabCorp); PubMed 28374168 (cited by Women's Health and Genetics/Laboratory Corporation of America, LabCorp).

NM_003000.3(SDHB):c.541-2A>G

Gene: SDHB (succinate dehydrogenase complex iron sulfur subunit B; minus strand). Cytogenetic location: 1p36.13.
Variant type: single nucleotide variant.
Coding change: c.541-2A>G on transcript NM_003000.3 (MANE Select); the canonical splice acceptor site of the intron before coding-DNA position 541, A replaced by G.
Molecular consequence: splice acceptor variant.
Genome position (GRCh38, 1-based): chr1:17,024,076, T>C on the plus strand (A>G on the coding strand, the complement: SDHB is on the minus strand). VCF-style: chr1-17024076-T-C. GRCh37 (hg19) VCF-style: chr1-17350571-T-C.
Other names: c.487-2A>G (NM_001407361.1).
Identifiers: ClinVar variation 183925 (VCV000183925.25), dbSNP rs786201161, ClinGen allele CA015950.